The following is an entry in ClinVar:

ClinVar aggregate classification (germline): Uncertain significance. Review status: criteria provided, multiple submitters, no conflicts (2 of 4 stars). 2 submissions from 2 submitters: Uncertain significance (2). Last evaluated 2023-10-20.

Conditions:
Episodic ataxia type 2 (EA2). Also called: ATAXIA, EPISODIC, WITH NYSTAGMUS; ATAXIA, FAMILIAL PAROXYSMAL; CEREBELLAR ATAXIA, PAROXYSMAL, ACETAZOLAMIDE-RESPONSIVE; CEREBELLOPATHY, HEREDITARY PAROXYSMAL; ACETAZOLAMIDE-RESPONSIVE HEREDITARY PAROXYSMAL CEREBELLAR ATAXIA; EPISODIC ATAXIA, NYSTAGMUS-ASSOCIATED. Identifiers: Orphanet 97, MedGen C1720416, MONDO:0007163, OMIM 108500.
Developmental and epileptic encephalopathy, 42 (DEE42A). Also called: EPILEPTIC ENCEPHALOPATHY, EARLY INFANTILE, 42A; Epileptic encephalopathy, early infantile, 42; DEVELOPMENTAL AND EPILEPTIC ENCEPHALOPATHY 42A. Identifiers: MedGen C4310716, MONDO:0014917, OMIM 617106.

Allele frequency attached by ClinVar (database versions not stated): TOPMed below 0.00001; gnomAD 0.00001.

Submissions (2):

GeneDx
Classification: Uncertain significance. Last evaluated: 2023-10-20. Review status: criteria provided, single submitter. Criteria: GeneDx Variant Classification Process June 2021. Collection method: clinical testing. Allele origin: germline. Affected: yes.
Comment: Not observed at significant frequency in large population cohorts (gnomAD); In silico analysis supports that this missense variant has a deleterious effect on protein structure/function; Has not been previously published as pathogenic or benign to our knowledge

Labcorp Genetics (formerly Invitae), Labcorp
Classification: Uncertain significance for Developmental and epileptic encephalopathy, 42; Episodic ataxia type 2. Last evaluated: 2023-07-17. Review status: criteria provided, single submitter. Criteria: Invitae Variant Classification Sherloc (09022015). Collection method: clinical testing. Allele origin: germline.
Comment: Advanced modeling of protein sequence and biophysical properties (such as structural, functional, and spatial information, amino acid conservation, physicochemical variation, residue mobility, and thermodynamic stability) has been performed at Invitae for this missense variant, however the output from this modeling did not meet the statistical confidence thresholds required to predict the impact of this variant on CACNA1A protein function. In summary, the available evidence is currently insufficient to determine the role of this variant in disease. Therefore, it has been classified as a Variant of Uncertain Significance. ClinVar contains an entry for this variant (Variation ID: 1973422). This sequence change replaces methionine, which is neutral and non-polar, with valine, which is neutral and non-polar, at codon 1747 of the CACNA1A protein (p.Met1747Val). This variant is not present in population databases (gnomAD no frequency). This variant has not been reported in the literature in individuals affected with CACNA1A-related conditions.

NM_001127222.2(CACNA1A):c.5236A>G (p.Met1746Val)

Gene: CACNA1A (calcium voltage-gated channel subunit alpha1 A; minus strand). Cytogenetic location: 19p13.13.
Variant type: single nucleotide variant.
Coding change: c.5236A>G on transcript NM_001127222.2 (MANE Select); coding-DNA position 5236, A replaced by G.
Protein change: p.Met1746Val; replaces methionine 1746 with valine.
Molecular consequence: missense variant.
Genome position (GRCh38, 1-based): chr19:13,234,934, T>C on the plus strand (A>G on the coding strand, the complement: CACNA1A is on the minus strand). VCF-style: chr19-13234934-T-C. GRCh37 (hg19) VCF-style: chr19-13345748-T-C.
Other names: c.5254A>G, p.Met1752Val (NM_000068.4, NM_023035.3); c.5239A>G, p.Met1747Val (NM_001127221.2); c.5245A>G, p.Met1749Val (NM_001174080.2); short protein forms M1746V, M1749V, M1752V, M1747V.
Identifiers: ClinVar variation 1973422 (VCV001973422.6), dbSNP rs1026872132, ClinGen allele CA305516663.